The following is an entry in ClinVar:

NM_030665.4(RAI1):c.4381G>A (p.Gly1461Ser)

Gene: RAI1 (retinoic acid induced 1; plus strand). Cytogenetic location: 17p11.2.
Variant type: single nucleotide variant.
Coding change: c.4381G>A on transcript NM_030665.4 (MANE Select); coding-DNA position 4381, G replaced by A.
Protein change: p.Gly1461Ser; replaces glycine 1461 with serine.
Molecular consequence: missense variant.
Genome position (GRCh38, 1-based): chr17:17,797,329, G>A. VCF-style: chr17-17797329-G-A. GRCh37 (hg19) VCF-style: chr17-17700643-G-A.
Other names: short protein forms G1461S.
Identifiers: ClinVar variation 2098847 (VCV002098847.4), dbSNP rs2032297262, ClinGen allele CA398556489.

ClinVar aggregate classification (germline): Uncertain significance (1 of 4 stars; one submission).

Allele frequency attached by ClinVar (database versions not stated): gnomAD exomes 0.00001; TOPMed below 0.00001.
gnomAD v4.1: 6 of 1,612,396 alleles (0.00037%); highest among the groups gnomAD compares: Non-Finnish European, 0.00042%; no homozygotes.

Submission:

Labcorp Genetics (formerly Invitae), Labcorp
Classification: Uncertain significance. Last evaluated: 2025-05-27. Review status: criteria provided, single submitter. Criteria: Invitae Variant Classification Sherloc (09022015). Collection method: clinical testing. Allele origin: germline.
Comment: This sequence change replaces glycine, which is neutral and non-polar, with serine, which is neutral and polar, at codon 1461 of the RAI1 protein (p.Gly1461Ser). This variant is not present in population databases (gnomAD no frequency). This variant has not been reported in the literature in individuals affected with RAI1-related conditions. ClinVar contains an entry for this variant (Variation ID: 2098847). Invitae Evidence Modeling of protein sequence and biophysical properties (such as structural, functional, and spatial information, amino acid conservation, physicochemical variation, residue mobility, and thermodynamic stability) indicates that this missense variant is not expected to disrupt RAI1 protein function with a negative predictive value of 80%. In summary, the available evidence is currently insufficient to determine the role of this variant in disease. Therefore, it has been classified as a Variant of Uncertain Significance.